The following is an entry in ClinVar:

NC_000011.9:g.(71146886_71148857)_(71152487_71153308)del

Gene: DHCR7 (7-dehydrocholesterol reductase; minus strand). Cytogenetic location: 11q13.4.
Variant type: Deletion.
Identifiers: ClinVar variation 3902470 (VCV003902470.1).

ClinVar aggregate classification (germline): Pathogenic (1 of 4 stars; one submission).

Conditions:
Smith-Lemli-Opitz syndrome (SLOS). Also called: LETHAL ACRODYSGENITAL SYNDROME; POLYDACTYLY, SEX REVERSAL, RENAL HYPOPLASIA, AND UNILOBAR LUNG; RSH SYNDROME; RUTLEDGE LETHAL MULTIPLE CONGENITAL ANOMALY SYNDROME; 7-Dehydrocholesterol reductase deficiency. Identifiers: Orphanet 818, MedGen C0175694, MONDO:0010035, OMIM 270400.

Submission:

Women's Health and Genetics/Laboratory Corporation of America, LabCorp
Classification: Pathogenic for Smith-Lemli-Opitz syndrome. Last evaluated: 2025-05-06. Review status: criteria provided, single submitter. Criteria: LabCorp Variant Classification Summary - May 2015. Collection method: clinical testing. Allele origin: germline.
Comment: Variant summary: The variant involves the deletion of exons 6-8 in the DHCR7 gene. This Copy Number Variant (CNV) is expected to alter the reading frame and predicted to result in a truncation or absence of the encoded protein due to nonsense mediated decay (NMD), a known mechanism for disease. A presumed nomenclature of c.(412+1_413-1)_(963+1_964-1)del has been designated for the purposes of this classification. The variant was absent in 126092 control chromosomes. To our knowledge, no occurrence of c.(412+1_413-1)_(963+1_964-1)del in individuals affected with Smith-Lemli-Opitz Syndrome and no experimental evidence demonstrating its impact on protein function have been reported. No submitters have cited clinical-significance assessments for this variant to ClinVar. Based on the evidence outlined above, the variant was classified as pathogenic.